The following is an entry in ClinVar:

NM_153766.3(KCNJ1):c.791C>T (p.Ala264Val)

Gene: KCNJ1 (potassium inwardly rectifying channel subfamily J member 1; minus strand). Cytogenetic location: 11q24.3.
Variant type: single nucleotide variant.
Coding change: c.791C>T on transcript NM_153766.3 (MANE Select); coding-DNA position 791, C replaced by T.
Protein change: p.Ala264Val; replaces alanine 264 with valine.
Molecular consequence: missense variant.
Genome position (GRCh38, 1-based): chr11:128,839,453, G>A on the plus strand (C>T on the coding strand, the complement: KCNJ1 is on the minus strand). VCF-style: chr11-128839453-G-A. GRCh37 (hg19) VCF-style: chr11-128709348-G-A.
Other names: c.848C>T, p.Ala283Val (NM_000220.6); c.791C>T, p.Ala264Val (NM_153764.3, NM_153767.4); c.842C>T, p.Ala281Val (NM_153765.3); short protein forms A281V, A283V, A264V.
Identifiers: ClinVar variation 2216677 (VCV002216677.4), dbSNP rs780690034, ClinGen allele CA6357452.
Genomic context (GRCh38, chr11:128,839,453, plus strand): 5'-GACTCCACTGTGCCATCTAAAAACACCACTAATTCAAAGTCCTGCTGGAGAAGGGTCTCC[G>A]CTGCCATGTGGAAGAAAGGGCTGTTGTGATCAATGACATGGTAAATTGTCAATGGGGAGA-3'
Protein context (NP_722450.1, residues 254-274): DHNSPFFHMA[Ala264Val]ETLLQQDFEL

ClinVar aggregate classification (germline): Uncertain significance. Review status: criteria provided, multiple submitters, no conflicts (2 of 4 stars). 2 submissions from 2 submitters: Uncertain significance (2). Last evaluated 2024-12-04.

Conditions:
Bartter disease type 2. Also called: HYPOKALEMIC ALKALOSIS WITH HYPERCALCIURIA 2, ANTENATAL; HYPERPROSTAGLANDIN E SYNDROME 2; Bartter syndrome, type 2, antenatal. Identifiers: Orphanet 112, Orphanet 620220, MedGen C1855849, MONDO:0009424, OMIM 241200.
Inborn genetic diseases. Identifiers: MedGen C0950123, MeSH D030342.

Allele frequency attached by ClinVar (database versions not stated): ExAC 0.00001; gnomAD exomes 0.00002; gnomAD 0.00005; TOPMed 0.00009.
gnomAD v4.1: 40 of 1,613,992 alleles (0.0025%); highest among the groups gnomAD compares: Middle Eastern, 0.016%; no homozygotes.

Submissions (2):

Ambry Genetics
Classification: Uncertain significance for Inborn genetic diseases. Last evaluated: 2024-12-04. Review status: criteria provided, single submitter. Criteria: Ambry Variant Classification Scheme 2023. Collection method: clinical testing. Allele origin: germline.
Comment: The c.848C>T (p.A283V) alteration is located in exon 2 (coding exon 2) of the KCNJ1 gene. This alteration results from a C to T substitution at nucleotide position 848, causing the alanine (A) at amino acid position 283 to be replaced by a valine (V). The p.A283V alteration is predicted to be tolerated by in silico analysis. Based on insufficient or conflicting evidence, the clinical significance of this alteration remains unclear.

Fulgent Genetics
Classification: Uncertain significance for Bartter disease type 2. Last evaluated: 2024-01-04. Review status: criteria provided, single submitter. Criteria: ACMG Guidelines, 2015. Collection method: clinical testing. Allele origin: germline.